The following is an entry in ClinVar:

NM_001384732.1(CPLANE1):c.3357del (p.Met1120fs)

Gene: CPLANE1 (ciliogenesis and planar polarity effector complex subunit 1; minus strand). Cytogenetic location: 5p13.2.
Variant type: Deletion.
Coding change: c.3357del on transcript NM_001384732.1 (MANE Select); coding-DNA position 3357, one base deleted (T; older notation c.3357delT).
Protein change: p.Met1120fs; shifts the reading frame from methionine 1120.
Molecular consequence: frameshift variant.
Genome position (GRCh38, 1-based): chr5:37,201,741, A deleted on the plus strand (T on the coding strand, the reverse complement: CPLANE1 is on the minus strand); the first of 2 consecutive A bases (chr5:37,201,741-37,201,742); deleting either gives the same sequence. VCF-style (leftmost placement, unchanged base first): chr5-37201740-TA-T. GRCh37 (hg19) VCF-style: chr5-37201842-TA-T.
Other names: c.3357del, p.Met1120fs (NM_023073.4); short protein forms M1120fs.
Identifiers: ClinVar variation 4772853 (VCV004772853.1).
Genomic context (GRCh38, chr5:37,201,740, plus strand): 5'-AGTCCTTGGCAGAGTCTATCAGAAGTTGAAATGTCTCCGAAAGAATATCTGCATCGGCCA[TA>T]ACTGATGCTTTCAGTACTTCTTGTACTGAACCAAATAGCAGATTTGCATCTTCCTCTTCA-3'

ClinVar aggregate classification (germline): Pathogenic (1 of 4 stars; one submission).

Submission:

Labcorp Genetics (formerly Invitae), Labcorp
Classification: Pathogenic. Last evaluated: 2025-07-16. Review status: criteria provided, single submitter. Criteria: Invitae Variant Classification Sherloc (09022015). Collection method: clinical testing. Allele origin: germline.
Comment: This sequence change creates a premature translational stop signal (p.Met1120Trpfs*14) in the CPLANE1 gene. It is expected to result in an absent or disrupted protein product. Loss-of-function variants in CPLANE1 are known to be pathogenic (PMID: 24178751, 26092869). This variant is present in population databases (rs776868306, gnomAD 0.03%). This variant has not been reported in the literature in individuals affected with CPLANE1-related conditions. For these reasons, this variant has been classified as Pathogenic.

Literature cited by the submitters: PubMed 24178751; PubMed 26092869.